The following is an entry in ClinVar:

ClinVar aggregate classification (germline): Uncertain significance (1 of 4 stars; one submission).

Conditions:
Inborn genetic diseases. Identifiers: MedGen C0950123, MeSH D030342.

Submission:

Ambry Genetics
Classification: Uncertain significance for Inborn genetic diseases. Last evaluated: 2022-10-05. Review status: criteria provided, single submitter. Criteria: Ambry Variant Classification Scheme 2023. Collection method: clinical testing. Allele origin: germline.
Comment: The p.L349I variant (also known as c.1045T>A), located in coding exon 4 of the ATR gene, results from a T to A substitution at nucleotide position 1045. The leucine at codon 349 is replaced by isoleucine, an amino acid with highly similar properties. This amino acid position is conserved. In addition, this alteration is predicted to be tolerated by in silico analysis. Since supporting evidence is limited at this time, the clinical significance of this alteration remains unclear.

NM_001184.4(ATR):c.1045T>A (p.Leu349Ile)

Gene: ATR (ATR checkpoint kinase; minus strand). Cytogenetic location: 3q23.
Variant type: single nucleotide variant.
Coding change: c.1045T>A on transcript NM_001184.4 (MANE Select); coding-DNA position 1045, T replaced by A.
Protein change: p.Leu349Ile; replaces leucine 349 with isoleucine.
Molecular consequence: missense variant.
Genome position (GRCh38, 1-based): chr3:142,562,357, A>T on the plus strand (T>A on the coding strand, the complement: ATR is on the minus strand). VCF-style: chr3-142562357-A-T. GRCh37 (hg19) VCF-style: chr3-142281199-A-T.
Other names: c.1045T>A, p.Leu349Ile (NM_001354579.2); short protein forms L349I.
Identifiers: ClinVar variation 1775351 (VCV001775351.2), dbSNP rs2473425571, ClinGen allele CA354823901.